The following is an entry in ClinVar:

NM_020442.6(VARS2):c.2980A>G (p.Ile994Val)

Gene: VARS2 (valyl-tRNA synthetase 2, mitochondrial; plus strand). Cytogenetic location: 6p21.33.
Variant type: single nucleotide variant.
Coding change: c.2980A>G on transcript NM_020442.6 (MANE Select); coding-DNA position 2980, A replaced by G.
Protein change: p.Ile994Val; replaces isoleucine 994 with valine.
Molecular consequence: missense variant.
Genome position (GRCh38, 1-based): chr6:30,925,898, A>G. VCF-style: chr6-30925898-A-G. GRCh37 (hg19) VCF-style: chr6-30893675-A-G.
Other names: c.2560A>G, p.Ile854Val (NM_001167733.3); c.3070A>G, p.Ile1024Val (NM_001167734.2); short protein forms I1024V, I854V, I994V.
Identifiers: ClinVar variation 1645972 (VCV001645972.15), dbSNP rs201758263, ClinGen allele CA3706428.

ClinVar aggregate classification (germline): Conflicting classifications of pathogenicity. Review status: criteria provided, conflicting classifications (1 of 4 stars). 3 submissions from 3 submitters: Uncertain significance (1); Likely benign (1). 1 of the submissions does not count toward it. Last evaluated 2026-01-08.

Conditions:
VARS2-related disorder. Also called: VARS2-related condition; VARS2-related disorders.

Allele frequency attached by ClinVar (database versions not stated): TOPMed 0.00027; gnomAD 0.00035 and 0.00038; gnomAD exomes 0.00057; ExAC 0.00062.
gnomAD v4.1: 738 of 1,612,832 alleles (0.046%); highest among the groups gnomAD compares: Non-Finnish European, 0.049%; no homozygotes.

Submissions (3):

Labcorp Genetics (formerly Invitae), Labcorp
Classification: Likely benign. Last evaluated: 2026-01-08. Review status: criteria provided, single submitter. Criteria: Invitae Variant Classification Sherloc (09022015). Collection method: clinical testing. Allele origin: germline.

GeneDx
Classification: Uncertain significance. Last evaluated: 2025-05-29. Review status: criteria provided, single submitter. Criteria: GeneDx Variant Classification Process June 2021. Collection method: clinical testing. Allele origin: germline. Affected: yes.
Comment: In silico analysis suggests that this missense variant does not alter protein structure/function; Has not been previously published as pathogenic or benign to our knowledge

PreventionGenetics, part of Exact Sciences
Classification: Likely benign for VARS2-related condition. Last evaluated: 2023-10-16. Review status: no assertion criteria provided. Collection method: clinical testing. Allele origin: germline. Not counted in ClinVar's aggregate classification.
Comment: This variant is classified as likely benign based on ACMG/AMP sequence variant interpretation guidelines (Richards et al. 2015 PMID: 25741868, with internal and published modifications).